The following is an entry in ClinVar:

ClinVar aggregate classification (germline): Uncertain significance (1 of 4 stars; one submission).

Conditions:
Hereditary sensory neuropathy-deafness-dementia syndrome. Also called: HSN IE; Hereditary sensory neuropathy type IE; Hereditary Sensory and Autonomic Neuropathy Type 1E (HSAN1E); NEUROPATHY, HEREDITARY SENSORY, WITH HEARING LOSS AND DEMENTIA. Identifiers: Orphanet 456318, MedGen C3279885, MONDO:0013584, OMIM 614116.

Allele frequency attached by ClinVar (database versions not stated): gnomAD exomes below 0.00001; TOPMed below 0.00001; ExAC 0.00001.
gnomAD v4.1: 1 of 1,614,204 alleles (0.000062%); highest among the groups gnomAD compares: Non-Finnish European, 0.000085%; no homozygotes.

Submission:

Labcorp Genetics (formerly Invitae), Labcorp
Classification: Uncertain significance for Hereditary sensory neuropathy-deafness-dementia syndrome. Last evaluated: 2022-02-08. Review status: criteria provided, single submitter. Criteria: Invitae Variant Classification Sherloc (09022015). Collection method: clinical testing. Allele origin: germline.
Comment: In summary, the available evidence is currently insufficient to determine the role of this variant in disease. Therefore, it has been classified as a Variant of Uncertain Significance. Algorithms developed to predict the effect of missense changes on protein structure and function are either unavailable or do not agree on the potential impact of this missense change (SIFT: "Deleterious"; PolyPhen-2: "Possibly Damaging"; Align-GVGD: "Class C0"). ClinVar contains an entry for this variant (Variation ID: 1013749). This variant has not been reported in the literature in individuals affected with DNMT1-related conditions. This variant is present in population databases (rs777569395, gnomAD 0.0009%). This sequence change replaces serine, which is neutral and polar, with asparagine, which is neutral and polar, at codon 427 of the DNMT1 protein (p.Ser427Asn). This variant also falls at the last nucleotide of exon 17, which is part of the consensus splice site for this exon. Variants that disrupt the consensus splice site are a relatively common cause of aberrant splicing (PMID: 17576681, 9536098). Algorithms developed to predict the effect of sequence changes on RNA splicing suggest that this variant may create or strengthen a splice site.

Literature cited by the submitters: PubMed 17576681; PubMed 9536098.

NM_001130823.3(DNMT1):c.1280G>A (p.Ser427Asn)

Gene: DNMT1 (DNA methyltransferase 1; minus strand). Cytogenetic location: 19p13.2.
Variant type: single nucleotide variant.
Coding change: c.1280G>A on transcript NM_001130823.3 (MANE Select); coding-DNA position 1280, G replaced by A.
Protein change: p.Ser427Asn; replaces serine 427 with asparagine.
Molecular consequence: missense variant.
Genome position (GRCh38, 1-based): chr19:10,159,658, C>T on the plus strand (G>A on the coding strand, the complement: DNMT1 is on the minus strand). VCF-style: chr19-10159658-C-T. GRCh37 (hg19) VCF-style: chr19-10270334-C-T.
Other names: c.1232G>A, p.Ser411Asn (NM_001318730.2, NM_001379.4); c.917G>A, p.Ser306Asn (NM_001318731.2); short protein forms S306N, S411N, S427N.
Identifiers: ClinVar variation 1013749 (VCV001013749.8), dbSNP rs777569395, ClinGen allele CA9188347.
Genomic context (GRCh38, chr19:10,159,658, plus strand): 5'-GGCACCTCTGGGGATGTGCCTCCTTCCACGAAGCAAACATGCACACGAAAGTGCACTTAC[C>T]TGAAGCAGGTCAGTTTGTGCTGGGGAAGCGCCTCATAACTCTCAAAGCCAGACTCGTTGG-3'
Protein context (NP_001124295.1, residues 417-437): ALPQHKLTCF[Ser427Asn]VYCKHGHLCP